The following is an entry in ClinVar:

NM_016203.4(PRKAG2):c.734A>G (p.Lys245Arg)

Genes: PRKAG2 (protein kinase AMP-activated non-catalytic subunit gamma 2; minus strand), LOC129999660 (ATAC-STARR-seq lymphoblastoid silent region 18823; plus strand). Cytogenetic location: 7q36.1.
Variant type: single nucleotide variant.
Coding change: c.734A>G on transcript NM_016203.4 (MANE Select); coding-DNA position 734, A replaced by G.
Protein change: p.Lys245Arg; replaces lysine 245 with arginine.
Molecular consequence: missense variant. On other transcripts: intron variant (3).
Genome position (GRCh38, 1-based): chr7:151,632,089, T>C on the plus strand (A>G on the coding strand, the complement: PRKAG2 is on the minus strand). VCF-style: chr7-151632089-T-C. GRCh37 (hg19) VCF-style: chr7-151329175-T-C.
Other names: c.602A>G, p.Lys201Arg (NM_001040633.2, NM_001407024.1, NM_001407026.1 and 1 more transcripts); c.362A>G, p.Lys121Arg (NM_001304527.2, NM_001363698.2, NM_001407028.1 and 1 more transcripts); c.11A>G, p.Lys4Arg (NM_001304531.2, NM_001407034.1, NM_001407035.1 and 4 more transcripts); c.734A>G, p.Lys245Arg (NM_001407021.1, NM_001407022.1, NM_001407023.1); c.416A>G, p.Lys139Arg (NM_001407032.1); c.410A>G, p.Lys137Arg (NM_001407033.1); c.62A>G, p.Lys21Arg (NM_001407038.1); c.467-36638A>G (NM_001407031.1); and 2 more; short protein forms K121R, K137R, K139R, K201R, K21R, K245R, K4R.
Identifiers: ClinVar variation 3254877 (VCV003254877.2), dbSNP rs1056508937.
Genomic context (GRCh38, chr7:151,632,089, plus strand): 5'-CGTGGGAGCGCCGGGCCGGCAGCGGGCGGGGCGCACTCACCTTCGTCCTCGAACTCCAGC[T>C]TCTCCAGCATGCCGGCTTCCGCGGGTCCCAGGGCCGCCGCCAGCGCCGCCTGAGGGGGAG-3'
Protein context (NP_057287.2, residues 235-255): LGPAEAGMLE[Lys245Arg]LEFEDEAVED

ClinVar aggregate classification (germline): Uncertain significance. Review status: criteria provided, multiple submitters, no conflicts (2 of 4 stars). 2 submissions from 2 submitters: Uncertain significance (2). Last evaluated 2025-06-11.

Conditions:
Cardiovascular phenotype. Identifiers: MedGen CN230736.
Wolff-Parkinson-White pattern. Also called: Auriculoventricular accessory pathway syndrome; False bundle branch block syndrome; Anomalous ventricular excitation syndrome; WPW SYNDROME. Identifiers: MedGen C0043202, MONDO:0008685, OMIM 194200, HP:0001716.

Allele frequency attached by ClinVar (database versions not stated): gnomAD exomes below 0.00001; TOPMed below 0.00001; gnomAD 0.00001.
gnomAD v4.1: 2 of 1,415,190 alleles (0.00014%); highest among the groups gnomAD compares: Non-Finnish European, 0.00019%; no homozygotes.

Submissions (2):

Ambry Genetics
Classification: Uncertain significance for Cardiovascular phenotype. Last evaluated: 2025-06-11. Review status: criteria provided, single submitter. Criteria: Ambry Variant Classification Scheme 2023. Collection method: clinical testing. Allele origin: germline.
Comment: The p.K245R variant (also known as c.734A>G), located in coding exon 5 of the PRKAG2 gene, results from an A to G substitution at nucleotide position 734. The lysine at codon 245 is replaced by arginine, an amino acid with highly similar properties. This amino acid position is highly conserved in available vertebrate species. In addition, this alteration is predicted to be tolerated by in silico analysis. Based on the available evidence, the clinical significance of this variant remains unclear.

Victorian Clinical Genetics Services, Murdoch Childrens Research Institute
Classification: Uncertain significance for Wolff-Parkinson-White pattern. Last evaluated: 2023-07-16. Review status: criteria provided, single submitter. Criteria: ACMG Guidelines, 2015. Collection method: clinical testing. Allele origin: germline. Inheritance: Autosomal dominant inheritance. Affected: yes.
Comment: Based on the classification scheme VCGS_Germline_v1.3.4, this variant is classified as VUS-3B. Following criteria are met: 0102 - Loss of function is a known mechanism of disease in this gene and is associated with hypertrophic cardiomyopathy 6 (MIM#600858), lethal congenital glycogen storage disease of heart (MIM#261740) and Wolff-Parkinson-White syndrome (MIM#194200). (I) 0107 - This gene is associated with autosomal dominant disease. (I) 0115 - Variants in this gene are known to have variable expressivity. Intrafamilial and interfamilial variable expressivity have been reported (PMIDs: 11407343, 28431061). (I) 0200 - Variant is predicted to result in a missense amino acid change from lysine to arginine. (I) 0251 - This variant is heterozygous. (I) 0302 - Variant is present in gnomAD (v3) <0.001 for a dominant condition (1 heterozygote, 0 homozygotes). (SP) 0502 - Missense variant with conflicting in silico predictions and uninformative conservation. (I) 0604 - Variant is not located in an established domain, motif, hotspot or informative constraint region. (I) 0710 - Another missense variant comparable to the one identified in this case has inconclusive previous evidence for pathogenicity. p.(Lys245Gln) has been reported as a VUS by a clinical testing laboratory (ClinVar). (I) 0807 - This variant has no previous evidence of pathogenicity. (I) 0905 - No published segregation evidence has been identified for this variant. (I) 1007 - No published functional evidence has been identified for this variant. (I) 1208 - Inheritance information for this variant is not currently available in this individual. (I) Legend: (SP) - Supporting pathogenic, (I) - Information, (SB) - Supporting benign

Literature cited by the submitters: PubMed 11407343 (cited by Victorian Clinical Genetics Services, Murdoch Childrens Research Institute); PubMed 28431061 (cited by Victorian Clinical Genetics Services, Murdoch Childrens Research Institute).